The following is an entry in ClinVar:

NM_000288.4(PEX7):c.-65A>T

Gene: PEX7 (peroxisomal biogenesis factor 7; plus strand). Cytogenetic location: 6q23.3.
Variant type: single nucleotide variant.
Coding change: c.-65A>T on transcript NM_000288.4 (MANE Select); 65 bases upstream of the start codon, A replaced by T.
Molecular consequence: 5 prime UTR variant.
Genome position (GRCh38, 1-based): chr6:136,822,601, A>T. VCF-style: chr6-136822601-A-T. GRCh37 (hg19) VCF-style: chr6-137143739-A-T.
Identifiers: ClinVar variation 904145 (VCV000904145.9), dbSNP rs190537612, ClinGen allele CA148640660.

ClinVar aggregate classification (germline): Benign/Likely benign. Review status: criteria provided, multiple submitters, no conflicts (2 of 4 stars). 5 submissions from 4 submitters: Benign (2); Likely benign (3). Last evaluated 2024-11-22.

Conditions:
Peroxisome biogenesis disorder 9B. Also called: PEX7-Related Refsum Disease; Refsum disease, adult, 2; PEROXISOME BIOGENESIS DISORDER, PEX7-RELATED, ATYPICAL. Identifiers: Orphanet 773, MedGen C2749346, MONDO:0013945, OMIM 614879.
Rhizomelic chondrodysplasia punctata type 1 (RCDP1). Also called: PEROXISOME BIOGENESIS DISORDER 9; PEX7-Related Rhizomelic Chondrodysplasia Punctata; CHONDRODYSTROPHIA CALCIFICANS PUNCTATA. Identifiers: Orphanet 177, Orphanet 309789, MedGen C1859133, MONDO:0008972, OMIM 215100. Disease mechanism: loss of function.

Allele frequency attached by ClinVar (database versions not stated): 1000 Genomes Project 0.00859; 1000 Genomes Project 30x 0.00890; TOPMed 0.00955.
gnomAD v4.1: 2,054 of 1,424,230 alleles (0.14%); highest among the groups gnomAD compares: African/African-American, 2.4%; 19 homozygotes.

Submissions (5):

Blueprint Genetics
Classification: Likely benign. Last evaluated: 2024-11-22. Review status: criteria provided, single submitter. Criteria: ACMG Guidelines, 2015. Collection method: clinical testing. Allele origin: germline.

GeneDx
Classification: Likely benign. Last evaluated: 2018-08-14. Review status: criteria provided, single submitter. Criteria: GeneDx Variant Classification Process June 2021. Collection method: clinical testing. Allele origin: germline. Affected: yes.

Illumina Laboratory Services, Illumina
Classification: Benign for Rhizomelic chondrodysplasia punctata type 1. Last evaluated: 2018-01-12. Review status: criteria provided, single submitter. Criteria: ICSL Variant Classification Criteria 13 December 2019. Collection method: clinical testing. Allele origin: germline.
Comment: This variant was observed in the ICSL laboratory as part of a predisposition screen in an ostensibly healthy population. It had not been previously curated by ICSL or reported in the Human Gene Mutation Database (HGMD: prior to June 1st, 2018), and was therefore a candidate for classification through an automated scoring system. Utilizing variant allele frequency, disease prevalence and penetrance estimates, and inheritance mode, an automated score was calculated to assess if this variant is too frequent to cause the disease. Based on the score and internal cut-off values, a variant classified as benign is not then subjected to further curation. The score for this variant resulted in a classification of benign for this disease.

Illumina Laboratory Services, Illumina
Classification: Benign for Peroxisome biogenesis disorder 9B. Last evaluated: 2018-01-12. Review status: criteria provided, single submitter. Criteria: ICSL Variant Classification Criteria 13 December 2019. Collection method: clinical testing. Allele origin: germline.
Comment: the same text as in the submission from Illumina Laboratory Services, Illumina above.

Breakthrough Genomics
Classification: Likely benign. Review status: criteria provided, single submitter. Criteria: ACMG Guidelines, 2015. Collection method: not provided. Allele origin: germline. Inheritance: Autosomal recessive inheritance. Affected: yes.